The following is an entry in ClinVar:

NM_001130987.2(DYSF):c.359T>C (p.Leu120Pro)

Gene: DYSF (dysferlin; plus strand). Cytogenetic location: 2p13.2.
Variant type: single nucleotide variant.
Coding change: c.359T>C on transcript NM_001130987.2 (MANE Select); coding-DNA position 359, T replaced by C.
Protein change: p.Leu120Pro; replaces leucine 120 with proline.
Molecular consequence: missense variant.
Genome position (GRCh38, 1-based): chr2:71,511,820, T>C. VCF-style: chr2-71511820-T-C. GRCh37 (hg19) VCF-style: chr2-71738950-T-C.
Other names: c.359T>C, p.Leu120Pro (NM_001130455.2, NM_001130982.2, NM_001130983.2 and 3 more transcripts); c.356T>C, p.Leu119Pro (NM_001130976.2, NM_001130977.2, NM_001130978.2 and 4 more transcripts); short protein forms L120P, L119P.
Identifiers: ClinVar variation 2203084 (VCV002203084.4), dbSNP rs2545376508, ClinGen allele CA347205395.

ClinVar aggregate classification (germline): Pathogenic (1 of 4 stars; one submission).

Conditions:
Neuromuscular disease caused by qualitative or quantitative defects of dysferlin. Also called: Dysferlinopathy; Qualitative or quantitative defects of dysferlin. Identifiers: Orphanet 207073, MedGen C2931687, MONDO:0016145.

Submission:

Labcorp Genetics (formerly Invitae), Labcorp
Classification: Pathogenic for Neuromuscular disease caused by qualitative or quantitative defects of dysferlin. Last evaluated: 2022-02-15. Review status: criteria provided, single submitter. Criteria: Invitae Variant Classification Sherloc (09022015). Collection method: clinical testing. Allele origin: germline.
Comment: This missense change has been observed in individual(s) with dysferlinopathies (PMID: 32400077). This variant is not present in population databases (gnomAD no frequency). This sequence change replaces leucine, which is neutral and non-polar, with proline, which is neutral and non-polar, at codon 119 of the DYSF protein (p.Leu119Pro). Advanced modeling of protein sequence and biophysical properties (such as structural, functional, and spatial information, amino acid conservation, physicochemical variation, residue mobility, and thermodynamic stability) performed at Invitae indicates that this missense variant is expected to disrupt DYSF protein function. For these reasons, this variant has been classified as Pathogenic.

Literature cited by the submitters: PubMed 32400077.